The following is an entry in ClinVar:

NM_016953.4(PDE11A):c.2096T>A (p.Val699Glu)

Genes: PDE11A (phosphodiesterase 11A; minus strand), PDE11A-AS1 (PDE11A antisense RNA 1; plus strand). Cytogenetic location: 2q31.2.
Variant type: single nucleotide variant.
Coding change: c.2096T>A on transcript NM_016953.4 (MANE Select); coding-DNA position 2096, T replaced by A.
Protein change: p.Val699Glu; replaces valine 699 with glutamic acid.
Molecular consequence: missense variant.
Genome position (GRCh38, 1-based): chr2:177,711,826, A>T on the plus strand (T>A on the coding strand, the complement: PDE11A is on the minus strand). VCF-style: chr2-177711826-A-T. GRCh37 (hg19) VCF-style: chr2-178576554-A-T.
Other names: c.764T>A, p.Val255Glu (NM_001077196.2); c.1346T>A, p.Val449Glu (NM_001077197.2); c.1022T>A, p.Val341Glu (NM_001077358.2); c.2096T>A (NM_016953.3); short protein forms V255E, V341E, V449E, V699E.
Identifiers: ClinVar variation 1049041 (VCV001049041.2), dbSNP rs774390793, ClinGen allele CA1981694.
Genomic context (GRCh38, chr2:177,711,826, plus strand): 5'-TACTTAGCTTGGAAGGCATTGTTGGTTCCCCTGTGGTCGAGGTCATGACACAGGCATCCC[A>T]CAATCACCGCTAAAATTTCCACCTCGGTCAGAATGTCTTGAAACCCAGCAGTCTGGGAAG-3'
Protein context (NP_058649.3, residues 689-709): LTEVEILAVI[Val699Glu]GCLCHDLDHR

ClinVar aggregate classification (germline): Uncertain significance. Review status: criteria provided, single submitter (1 of 4 stars). 2 submissions from 2 submitters: Uncertain significance (1). 1 of the submissions does not count toward it. Last evaluated 2025-06-18.

Allele frequency attached by ClinVar (database versions not stated): ExAC 0.00002.
gnomAD v4.1: 15 of 1,613,176 alleles (0.00093%); highest among the groups gnomAD compares: Middle Eastern, 0.016%; no homozygotes.

Submissions (2):

Ambry Genetics
Classification: Uncertain significance. Last evaluated: 2025-06-18. Review status: criteria provided, single submitter. Criteria: Ambry Variant Classification Scheme 2023. Collection method: clinical testing. Allele origin: germline.

Department of Pathology and Laboratory Medicine, Sinai Health System
Classification: Uncertain significance. Review status: no assertion criteria provided. Collection method: clinical testing. Allele origin: unknown. Affected: yes. Study: The Canadian Open Genetics Repository (COGR). Not counted in ClinVar's aggregate classification.
Comment: The PDE11A p.Val699Glu variant was not identified in the literature nor was it identified in ClinVar, Cosmic or LOVD 3.0. The variant was identified in dbSNP (ID: rs774390793) and was also found in control databases in 5 of 282590 chromosomes at a frequency of 0.000018 (Genome Aggregation Database Feb 27, 2017) and was observed in the following populations: Latino in 3 of 35420 chromosomes (freq: 0.000085) and European (non-Finnish) in 2 of 129036 chromosomes (freq: 0.000016), while the variant was not observed in the African, Ashkenazi Jewish, East Asian, European (Finnish), Other and South Asian populations. The variant occurs outside of the splicing consensus sequence and in silico or computational prediction software programs (SpliceSiteFinder, MaxEntScan, NNSPLICE, GeneSplicer) do not predict a difference in splicing. The p.Val699 residue is conserved in mammals but not in more distantly related organisms, and four out of five computational analyses (PolyPhen-2, SIFT, BLOSUM, MutationTaster) suggest that the V variant may impact the protein; however, this information is not predictive enough to assume pathogenicity. In summary, based on the above information the clinical significance of this variant cannot be determined with certainty at this time. This variant is classified as a variant of uncertain significance.